The following is an entry in ClinVar:

ClinVar aggregate classification (germline): Uncertain significance (1 of 4 stars; one submission).

Allele frequency attached by ClinVar (database versions not stated): ExAC 0.00001; gnomAD exomes 0.00001; gnomAD 0.00002; ESP Exome Variant Server 0.00008.
gnomAD v4.1: 26 of 1,612,178 alleles (0.0016%); highest among the groups gnomAD compares: Non-Finnish European, 0.0016%; no homozygotes.

Submission:

Labcorp Genetics (formerly Invitae), Labcorp
Classification: Uncertain significance. Last evaluated: 2023-06-30. Review status: criteria provided, single submitter. Criteria: Invitae Variant Classification Sherloc (09022015). Collection method: clinical testing. Allele origin: germline.
Comment: In summary, the available evidence is currently insufficient to determine the role of this variant in disease. Therefore, it has been classified as a Variant of Uncertain Significance. This sequence change replaces proline, which is neutral and non-polar, with arginine, which is basic and polar, at codon 143 of the NARS2 protein (p.Pro143Arg). This variant is present in population databases (rs373896671, gnomAD 0.008%). This variant has not been reported in the literature in individuals affected with NARS2-related conditions. ClinVar contains an entry for this variant (Variation ID: 1986197). Advanced modeling of protein sequence and biophysical properties (such as structural, functional, and spatial information, amino acid conservation, physicochemical variation, residue mobility, and thermodynamic stability) performed at Invitae indicates that this missense variant is not expected to disrupt NARS2 protein function.

NM_024678.6(NARS2):c.428C>G (p.Pro143Arg)

Gene: NARS2 (asparaginyl-tRNA synthetase 2, mitochondrial; minus strand). Cytogenetic location: 11q14.1.
Variant type: single nucleotide variant.
Coding change: c.428C>G on transcript NM_024678.6 (MANE Select); coding-DNA position 428, C replaced by G.
Protein change: p.Pro143Arg; replaces proline 143 with arginine.
Molecular consequence: missense variant. On other transcripts: 5 prime UTR variant (1).
Genome position (GRCh38, 1-based): chr11:78,566,217, G>C on the plus strand (C>G on the coding strand, the complement: NARS2 is on the minus strand). VCF-style: chr11-78566217-G-C. GRCh37 (hg19) VCF-style: chr11-78277263-G-C.
Other names: c.-254C>G (NM_001243251.2); short protein forms P143R.
Identifiers: ClinVar variation 1986197 (VCV001986197.3), dbSNP rs373896671, ClinGen allele CA6205850.